The following is an entry in ClinVar:

ClinVar aggregate classification (germline): Pathogenic/Likely pathogenic. Review status: criteria provided, multiple submitters, no conflicts (2 of 4 stars). 4 submissions from 4 submitters: Pathogenic (1); Likely pathogenic (1). 2 of the submissions do not count toward it. Last evaluated 2023-06-20.

Conditions:
Blepharophimosis-impaired intellectual development syndrome. Identifiers: Orphanet 637013, MedGen C5443984, MONDO:0859139, OMIM 619293.
Intellectual disability. Also called: Intellectual functioning disability; Intellectual developmental disorder; intellectual disabilities. Identifiers: MedGen C3714756, MeSH D008607, MONDO:0001071, HP:0001249.
Inborn genetic diseases. Identifiers: MedGen C0950123, MeSH D030342.

Submissions (4):

GeneDx
Classification: Pathogenic. Last evaluated: 2023-06-20. Review status: criteria provided, single submitter. Criteria: GeneDx Variant Classification Process June 2021. Collection method: clinical testing. Allele origin: germline. Affected: yes.
Comment: In silico analysis supports that this missense variant has a deleterious effect on protein structure/function; Not observed at significant frequency in large population cohorts (gnomAD); This variant is associated with the following publications: (PMID: 28191890, 31036916, 25533962, 31785789, 32694869)

Ambry Genetics
Classification: Likely pathogenic for Inborn genetic diseases. Last evaluated: 2021-05-03. Review status: criteria provided, single submitter. Criteria: Ambry Variant Classification Scheme 2023. Collection method: clinical testing. Allele origin: germline.
Comment: The c.1514G>A (p.R505Q) alteration is located in exon 8 (coding exon 7) of the SMARCA2 gene. This alteration results from a G to A substitution at nucleotide position 1514, causing the arginine (R) at amino acid position 505 to be replaced by a glutamine (Q). Based on data from the Genome Aggregation Database (gnomAD), the SMARCA2 c.1514G>A alteration was not observed, with coverage at this position. The p.R505Q alteration was previously reported de novo in a patient with a neurodevelopmental disorder that included moderate developmental delay and intellectual disability, blepharophimosis, skeletal anomalies, and dysmorphic features but lacking the common facial gestalt of Nicolaides-Baraister syndrome (Cappuccio, 2020). The p.R505 amino acid is conserved in available vertebrate species. The p.R505Q alteration is predicted to be tolerated by in silico analysis. Based on the available evidence, this alteration is classified as likely pathogenic.

OMIM
Classification: Pathogenic for BLEPHAROPHIMOSIS-IMPAIRED INTELLECTUAL DEVELOPMENT SYNDROME. Last evaluated: 2021-04-30. Review status: no assertion criteria provided. Collection method: literature only. Allele origin: germline. Not counted in ClinVar's aggregate classification.

Fondazione Telethon, Telethon Institute of Genetics and Medicine
Classification: Likely pathogenic for Intellectual disability. Review status: no assertion criteria provided. Collection method: clinical testing. Allele origin: de novo. Inheritance: Autosomal dominant inheritance. Affected: yes. Not counted in ClinVar's aggregate classification.

Literature cited by the submitters: PubMed 25533962 (cited by Ambry Genetics); PubMed 28191890 (cited by Ambry Genetics); PubMed 32694869 (cited by Ambry Genetics and OMIM).

NM_003070.5(SMARCA2):c.1514G>A (p.Arg505Gln)

Gene: SMARCA2 (SWI/SNF related BAF chromatin remodeling complex subunit ATPase 2; plus strand). Cytogenetic location: 9p24.3.
Variant type: single nucleotide variant.
Coding change: c.1514G>A on transcript NM_003070.5 (MANE Select); coding-DNA position 1514, G replaced by A.
Protein change: p.Arg505Gln; replaces arginine 505 with glutamine.
Molecular consequence: missense variant.
Genome position (GRCh38, 1-based): chr9:2,058,457, G>A. VCF-style: chr9-2058457-G-A. GRCh37 (hg19) VCF-style: chr9-2058457-G-A.
Other names: c.1514G>A, p.Arg505Gln (NM_001289396.2, NM_001289397.2, NM_139045.4); short protein forms R505Q.
Identifiers: ClinVar variation 829813 (VCV000829813.11), dbSNP rs1586657848, ClinGen allele CA372782331.